The following is an entry in ClinVar:

NM_000891.3(KCNJ2):c.*558C>T

Gene: KCNJ2 (potassium inwardly rectifying channel subfamily J member 2; plus strand). Cytogenetic location: 17q24.3.
Variant type: single nucleotide variant.
Coding change: c.*558C>T on transcript NM_000891.3 (MANE Select); 558 bases downstream of the stop codon, C replaced by T.
Molecular consequence: 3 prime UTR variant.
Genome position (GRCh38, 1-based): chr17:70,176,881, C>T. VCF-style: chr17-70176881-C-T. GRCh37 (hg19) VCF-style: chr17-68173022-C-T.
Identifiers: ClinVar variation 324840 (VCV000324840.7), dbSNP rs9302914, ClinGen allele CA10640386.

ClinVar aggregate classification (germline): Benign. Review status: criteria provided, multiple submitters, no conflicts (2 of 4 stars). 5 submissions from 3 submitters: Benign (5). Last evaluated 2021-05-13.

Conditions:
Atrial fibrillation, familial, 9 (ATFB9). Identifiers: MedGen C3151431, MONDO:0013513, OMIM 613980.
Short QT syndrome type 3. Identifiers: Orphanet 51083, MedGen C1865018, MONDO:0012314, OMIM 609622.
Andersen Tawil syndrome (LQT7). Also called: Potassium-sensitive periodic paralysis, ventricular ectopy, and dysmorphic features; ANDERSEN CARDIODYSRHYTHMIC PERIODIC PARALYSIS; LONG QT SYNDROME 7; PERIODIC PARALYSIS, POTASSIUM-SENSITIVE CARDIODYSRHYTHMIC TYPE; Andersen Syndrome. Identifiers: Orphanet 37553, MedGen C1563715, MONDO:0008222, OMIM 170390.

Allele frequency attached by ClinVar (database versions not stated): gnomAD exomes 0.00123; gnomAD 0.06399 and 0.06842; TOPMed 0.06991; 1000 Genomes Project 0.07368; 1000 Genomes Project 30x 0.07917.

Submissions (5):

GeneDx
Classification: Benign. Last evaluated: 2021-05-13. Review status: criteria provided, single submitter. Criteria: GeneDx Variant Classification Process June 2021. Collection method: clinical testing. Allele origin: germline. Affected: yes.

Illumina Laboratory Services, Illumina
Classification: Benign for Atrial fibrillation, familial, 9. Last evaluated: 2018-01-13. Review status: criteria provided, single submitter. Criteria: ICSL Variant Classification Criteria 13 December 2019. Collection method: clinical testing. Allele origin: germline.
Comment: This variant was observed in the ICSL laboratory as part of a predisposition screen in an ostensibly healthy population. It had not been previously curated by ICSL or reported in the Human Gene Mutation Database (HGMD: prior to June 1st, 2018), and was therefore a candidate for classification through an automated scoring system. Utilizing variant allele frequency, disease prevalence and penetrance estimates, and inheritance mode, an automated score was calculated to assess if this variant is too frequent to cause the disease. Based on the score and internal cut-off values, a variant classified as benign is not then subjected to further curation. The score for this variant resulted in a classification of benign for this disease.

Illumina Laboratory Services, Illumina
Classification: Benign for Andersen Tawil syndrome. Last evaluated: 2018-01-13. Review status: criteria provided, single submitter. Criteria: ICSL Variant Classification Criteria 13 December 2019. Collection method: clinical testing. Allele origin: germline.
Comment: the same text as in the submission from Illumina Laboratory Services, Illumina above.

Illumina Laboratory Services, Illumina
Classification: Benign for Short QT syndrome type 3. Last evaluated: 2018-01-13. Review status: criteria provided, single submitter. Criteria: ICSL Variant Classification Criteria 13 December 2019. Collection method: clinical testing. Allele origin: germline.
Comment: the same text as in the submission from Illumina Laboratory Services, Illumina above.

Breakthrough Genomics
Classification: Benign. Review status: criteria provided, single submitter. Criteria: ACMG Guidelines, 2015. Collection method: not provided. Allele origin: germline. Inheritance: Autosomal dominant inheritance. Affected: yes.